The following is an entry in ClinVar:

ClinVar aggregate classification (germline): Uncertain significance (1 of 4 stars; one submission).

Conditions:
Hereditary diffuse gastric adenocarcinoma (HDGC). Also called: DIFFUSE GASTRIC AND LOBULAR BREAST CANCER SYNDROME. Identifiers: Orphanet 26106, MedGen C1708349, MONDO:0007648, OMIM 137215.

gnomAD v4.1: 1 of 1,614,242 alleles (0.000062%); highest among the groups gnomAD compares: South Asian, 0.0011%; no homozygotes.

Submission:

Labcorp Genetics (formerly Invitae), Labcorp
Classification: Uncertain significance for Hereditary diffuse gastric adenocarcinoma. Last evaluated: 2024-09-22. Review status: criteria provided, single submitter. Criteria: Invitae Variant Classification Sherloc (09022015). Collection method: clinical testing. Allele origin: germline.
Comment: This sequence change replaces tyrosine, which is neutral and polar, with histidine, which is basic and polar, at codon 101 of the CDH1 protein (p.Tyr101His). This variant is present in population databases (rs774301557, gnomAD 0.003%). This variant has not been reported in the literature in individuals affected with CDH1-related conditions. An algorithm developed to predict the effect of missense changes on protein structure and function outputs the following: PolyPhen-2: "Benign". The histidine amino acid residue is found in multiple mammalian species, which suggests that this missense change does not adversely affect protein function. In summary, the available evidence is currently insufficient to determine the role of this variant in disease. Therefore, it has been classified as a Variant of Uncertain Significance.

NM_004360.5(CDH1):c.301T>C (p.Tyr101His)

Gene: CDH1 (cadherin 1; plus strand). Cytogenetic location: 16q22.1.
Variant type: single nucleotide variant.
Coding change: c.301T>C on transcript NM_004360.5 (MANE Select); coding-DNA position 301, T replaced by C.
Protein change: p.Tyr101His; replaces tyrosine 101 with histidine.
Molecular consequence: missense variant. On other transcripts: 5 prime UTR variant (2).
Genome position (GRCh38, 1-based): chr16:68,801,807, T>C. VCF-style: chr16-68801807-T-C. GRCh37 (hg19) VCF-style: chr16-68835710-T-C.
Other names: c.301T>C, p.Tyr101His (NM_001317184.2); c.-1315T>C (NM_001317185.2); c.-1519T>C (NM_001317186.2); short protein forms Y101H.
Identifiers: ClinVar variation 3658003 (VCV003658003.2).
Genomic context (GRCh38, chr16:68,801,807, plus strand): 5'-GGTGTGATTACAGTCAAAAGGCCTCTACGGTTTCATAACCCACAGATCCATTTCTTGGTC[T>C]ACGCCTGGGACTCCACCTACAGAAAGTTTTCCACCAAAGTCACGCTGAATACAGTGGGGC-3'
Protein context (NP_004351.1, residues 91-111): FHNPQIHFLV[Tyr101His]AWDSTYRKFS